The following is an entry in ClinVar:

NM_000890.5(KCNJ5):c.148C>T (p.Arg50Cys)

Gene: KCNJ5 (potassium inwardly rectifying channel subfamily J member 5; plus strand). Cytogenetic location: 11q24.3.
Variant type: single nucleotide variant.
Coding change: c.148C>T on transcript NM_000890.5 (MANE Select); coding-DNA position 148, C replaced by T.
Protein change: p.Arg50Cys; replaces arginine 50 with cysteine.
Molecular consequence: missense variant.
Genome position (GRCh38, 1-based): chr11:128,911,421, C>T. VCF-style: chr11-128911421-C-T. GRCh37 (hg19) VCF-style: chr11-128781316-C-T.
Other names: c.148C>T, p.Arg50Cys (NM_001354169.2); short protein forms R50C.
Identifiers: ClinVar variation 1014195 (VCV001014195.12), dbSNP rs781011854, ClinGen allele CA6357829.

ClinVar aggregate classification (germline): Uncertain significance. Review status: criteria provided, multiple submitters, no conflicts (2 of 4 stars). 4 submissions from 4 submitters: Uncertain significance (4). Last evaluated 2025-11-10.

Conditions:
Cardiovascular phenotype. Identifiers: MedGen CN230736.
Long QT syndrome 13 (LQT13). Identifiers: Orphanet 101016, Orphanet 768, MedGen C3150733, MONDO:0013279, OMIM 613485.
Familial hyperaldosteronism type III. Also called: Familial hyperaldosteronism type 3; FH III. Identifiers: Orphanet 251274, MedGen C3838758, MONDO:0013359, OMIM 613677.
Long QT syndrome (LQTS). Identifiers: MedGen C0023976, MeSH D008133, MONDO:0002442. Disease mechanism: loss of function. Inheritance: Various modes of inheritance.

Allele frequency attached by ClinVar (database versions not stated): ExAC 0.00002; gnomAD exomes 0.00002; TOPMed 0.00002.
gnomAD v4.1: 27 of 1,614,244 alleles (0.0017%); highest among the groups gnomAD compares: Non-Finnish European, 0.0021%; no homozygotes.

Submissions (4):

Labcorp Genetics (formerly Invitae), Labcorp
Classification: Uncertain significance for Long QT syndrome. Last evaluated: 2025-11-10. Review status: criteria provided, single submitter. Criteria: Invitae Variant Classification Sherloc (09022015). Collection method: clinical testing. Allele origin: germline.
Comment: This sequence change replaces arginine, which is basic and polar, with cysteine, which is neutral and slightly polar, at codon 50 of the KCNJ5 protein (p.Arg50Cys). This variant is present in population databases (rs781011854, gnomAD 0.003%). This missense change has been observed in individual(s) with sudden death (PMID: 26350513). ClinVar contains an entry for this variant (Variation ID: 1014195). Invitae Evidence Modeling of protein sequence and biophysical properties (such as structural, functional, and spatial information, amino acid conservation, physicochemical variation, residue mobility, and thermodynamic stability) indicates that this missense variant is not expected to disrupt KCNJ5 protein function with a negative predictive value of 80%. In summary, the available evidence is currently insufficient to determine the role of this variant in disease. Therefore, it has been classified as a Variant of Uncertain Significance.

Ambry Genetics
Classification: Uncertain significance for Cardiovascular phenotype. Last evaluated: 2022-01-07. Review status: criteria provided, single submitter. Criteria: Ambry Variant Classification Scheme 2023. Collection method: clinical testing. Allele origin: germline.
Comment: The p.R50C variant (also known as c.148C>T), located in coding exon 1 of the KCNJ5 gene, results from a C to T substitution at nucleotide position 148. The arginine at codon 50 is replaced by cysteine, an amino acid with highly dissimilar properties. This alteration has been reported in a sudden unexplained infant death cohort with limited clinical details (Hertz CL et al. Eur J Hum Genet, 2016 06;24:817-22). This amino acid position is highly conserved in available vertebrate species. In addition, this alteration is predicted to be deleterious by in silico analysis. Since supporting evidence is limited at this time, the clinical significance of this alteration remains unclear.

AiLife Diagnostics
Classification: Uncertain significance. Last evaluated: 2021-12-30. Review status: criteria provided, single submitter. Criteria: ACMG Guidelines, 2015. Collection method: clinical testing. Allele origin: germline. Affected: yes. Observed: 1 variant allele.

Fulgent Genetics
Classification: Uncertain significance for Long QT syndrome 13; Familial hyperaldosteronism type III. Last evaluated: 2021-10-17. Review status: criteria provided, single submitter. Criteria: ACMG Guidelines, 2015. Collection method: clinical testing. Allele origin: unknown.

Literature cited by the submitters: PubMed 26350513 (cited by 3 submitters).